The following is an entry in ClinVar:

NM_194248.3(OTOF):c.237G>A (p.Gly79=)

Gene: OTOF (otoferlin; minus strand). Cytogenetic location: 2p23.3.
Variant type: single nucleotide variant.
Coding change: c.237G>A on transcript NM_194248.3 (MANE Select); coding-DNA position 237, G replaced by A.
Protein change: p.Gly79=; no amino-acid change (glycine 79 retained).
Molecular consequence: synonymous variant.
Genome position (GRCh38, 1-based): chr2:26,519,100, C>T on the plus strand (G>A on the coding strand, the complement: OTOF is on the minus strand). VCF-style: chr2-26519100-C-T. GRCh37 (hg19) VCF-style: chr2-26741968-C-T.
Other names: c.237G>A, p.Gly79= (NM_001287489.2).
Identifiers: ClinVar variation 48195 (VCV000048195.42), dbSNP rs117985483, ClinGen allele CA142797.

ClinVar aggregate classification (germline): Conflicting classifications of pathogenicity. Review status: criteria provided, conflicting classifications (1 of 4 stars). 6 submissions from 6 submitters: Uncertain significance (1); Benign (1); Likely benign (4). Last evaluated 2026-08-01.

Conditions:
Autosomal recessive nonsyndromic hearing loss 9. Also called: Deafness, autosomal recessive 9; AUDITORY NEUROPATHY, AUTOSOMAL RECESSIVE, 1, TEMPERATURE-SENSITIVE; NEUROSENSORY NONSYNDROMIC RECESSIVE DEAFNESS 9; OTOF-Related Hearing Loss. Identifiers: Orphanet 90636, MedGen C1832828, MONDO:0010986, OMIM 601071.

Allele frequency attached by ClinVar (database versions not stated): gnomAD 0.00064 and 0.00052; ExAC 0.00110; 1000 Genomes Project 30x 0.00141; 1000 Genomes Project 0.00180; ESP Exome Variant Server 0.00008; TOPMed 0.00040; gnomAD exomes 0.00094.
gnomAD v4.1: 760 of 1,597,790 alleles (0.048%); highest among the groups gnomAD compares: East Asian, 0.45%; 4 homozygotes.

Submissions (6):

CeGaT Center for Human Genetics Tuebingen
Classification: Likely benign. Last evaluated: 2026-08-01. Review status: criteria provided, single submitter. Criteria: CeGaT Center For Human Genetics Tuebingen Variant Classification Criteria Version 2. Collection method: clinical testing. Allele origin: germline. Affected: yes. Observed: 4 variant alleles.
Comment: OTOF: BP4, BP7

Labcorp Genetics (formerly Invitae), Labcorp
Classification: Benign. Last evaluated: 2026-02-04. Review status: criteria provided, single submitter. Criteria: Invitae Variant Classification Sherloc (09022015). Collection method: clinical testing. Allele origin: germline.

Blueprint Genetics
Classification: Likely benign. Last evaluated: 2024-11-13. Review status: criteria provided, single submitter. Criteria: ACMG Guidelines, 2015. Collection method: clinical testing. Allele origin: germline.

GeneDx
Classification: Likely benign. Last evaluated: 2021-03-22. Review status: criteria provided, single submitter. Criteria: GeneDx Variant Classification Process June 2021. Collection method: clinical testing. Allele origin: germline. Affected: yes.
Comment: This variant is associated with the following publications: (PMID: 20224275)

Illumina Laboratory Services, Illumina
Classification: Uncertain significance for Autosomal recessive nonsyndromic hearing loss 9. Last evaluated: 2017-04-27. Review status: criteria provided, single submitter. Criteria: ICSL Variant Classification Criteria 13 December 2019. Collection method: clinical testing. Allele origin: germline.
Comment: This variant was observed as part of a predisposition screen in an ostensibly healthy population. A literature search was performed for the gene, cDNA change, and amino acid change (where applicable). Publications were found based on this search. However, the evidence from the literature, in combination with allele frequency data from public databases where available, was not sufficient to rule this variant in or out of causing disease. Therefore, this variant is classified as a variant of unknown significance.

Laboratory for Molecular Medicine, Mass General Brigham Personalized Medicine
Classification: Likely benign. Last evaluated: 2012-05-07. Review status: criteria provided, single submitter. Criteria: LMM Criteria. Collection method: clinical testing. Allele origin: germline. Observed: 1 variant allele.
Comment: "Gly79Gly in Exon 04 of OTOF: This variant is not expected to have clinical sign ificance because it does not alter an amino acid residue, is not located within the splice consensus sequence, and has been identified in 1/7018 European Americ an chromosomes from a broad population by the NHLBI Exome Sequencing Project (dbSNP rs117985483)."

Literature cited by the submitters: PubMed 20224275 (cited by Illumina Laboratory Services, Illumina).